The following is an entry in ClinVar:

ClinVar aggregate classification (germline): Uncertain significance (1 of 4 stars; one submission).

Conditions:
Multiple congenital anomalies-hypotonia-seizures syndrome 1 (MCAHS1). Also called: PIGN-CDG; Congenital disorder of glycosylation due to PIGN deficiency; GLYCOSYLPHOSPHATIDYLINOSITOL BIOSYNTHESIS DEFECT 3. Identifiers: Orphanet 280633, MedGen C3279775, MONDO:0013563, OMIM 614080.

Allele frequency attached by ClinVar (database versions not stated): gnomAD 0.00001; gnomAD exomes 0.00001 and 0.00002; ExAC 0.00002; 1000 Genomes Project 30x 0.00016; 1000 Genomes Project 0.00020.
gnomAD v4.1: 16 of 1,613,116 alleles (0.00099%); highest among the groups gnomAD compares: South Asian, 0.012%; no homozygotes.

Submission:

Labcorp Genetics (formerly Invitae), Labcorp
Classification: Uncertain significance for Multiple congenital anomalies-hypotonia-seizures syndrome 1. Last evaluated: 2021-09-01. Review status: criteria provided, single submitter. Criteria: Invitae Variant Classification Sherloc (09022015). Collection method: clinical testing. Allele origin: germline.
Comment: This sequence change replaces isoleucine with methionine at codon 713 of the PIGN protein (p.Ile713Met). The isoleucine residue is moderately conserved and there is a small physicochemical difference between isoleucine and methionine. This variant is present in population databases (rs547759377, ExAC 0.01%). This variant has not been reported in the literature in individuals affected with PIGN-related conditions. Algorithms developed to predict the effect of missense changes on protein structure and function are either unavailable or do not agree on the potential impact of this missense change (SIFT: "Tolerated"; PolyPhen-2: "Probably Damaging"; Align-GVGD: "Class C0"). In summary, the available evidence is currently insufficient to determine the role of this variant in disease. Therefore, it has been classified as a Variant of Uncertain Significance.

NM_176787.5(PIGN):c.2139A>G (p.Ile713Met)

Gene: PIGN (phosphatidylinositol glycan anchor biosynthesis class N; minus strand). Cytogenetic location: 18q21.33.
Variant type: single nucleotide variant.
Coding change: c.2139A>G on transcript NM_176787.5 (MANE Select); coding-DNA position 2139, A replaced by G.
Protein change: p.Ile713Met; replaces isoleucine 713 with methionine.
Molecular consequence: missense variant.
Genome position (GRCh38, 1-based): chr18:62,095,889, T>C on the plus strand (A>G on the coding strand, the complement: PIGN is on the minus strand). VCF-style: chr18-62095889-T-C. GRCh37 (hg19) VCF-style: chr18-59763122-T-C.
Other names: c.2139A>G, p.Ile713Met (NM_012327.6); short protein forms I713M.
Identifiers: ClinVar variation 1464489 (VCV001464489.5), dbSNP rs547759377, ClinGen allele CA8982073.
Genomic context (GRCh38, chr18:62,095,889, plus strand): 5'-ATTGTTAAAAAGTTTATACCCTGTGCTTAGAAGTAGGTAGGTTGACATCAATGAAAGAAG[T>C]ATGCTGAACAATCGCTGAAAGAGAACTGGAGAACTCAGTAGTGGCACAACCAAGGAAGAG-3'
Protein context (NP_789744.1, residues 703-723): SPVLFQRLFS[Ile713Met]LLSLMSTYLL